The following is an entry in ClinVar:

NM_001349338.3(FOXP1):c.1478_1483dup (p.Trp494_Phe495insTyrTrp)

Genes: FOXP1 (forkhead box P1; minus strand), LOC126806714 (BRD4-independent group 4 enhancer GRCh37_chr3:71025197-71026396; plus strand). Cytogenetic location: 3p13.
Variant type: Duplication.
Coding change: c.1478_1483dup on transcript NM_001349338.3 (MANE Select); coding-DNA positions 1478 to 1483, 6 bases duplicated (ACTGGT; older notation c.1478_1483dupACTGGT).
Protein change: p.Trp494_Phe495insTyrTrp.
Molecular consequence: inframe insertion. On other transcripts: inframe indel (1), non-coding transcript variant (2).
Genome position (GRCh38, 1-based): chr3:70,976,988-70,976,993, ACCAGT duplicated on the plus strand (ACTGGT on the coding strand, the reverse complement: FOXP1 is on the minus strand). VCF-style (leftmost placement, unchanged base first): chr3-70976987-A-AACCAGT. GRCh37 (hg19) VCF-style: chr3-71026138-A-AACCAGT.
Other names: c.1475_1480dup, p.Trp493_Phe494insTyrTrp (NM_001244808.3, NM_001349341.3); c.1478_1483dup, p.Trp494_Phe495insTyrTrp (NM_001244810.2, NM_001244814.3, NM_001244816.2 and 3 more transcripts); c.1250_1255dup, p.Trp418_Phe419insTyrTrp (NM_001244812.3); c.1178_1183dup, p.Trp394_Phe395insTyrTrp (NM_001244813.3, NM_001244815.2, NM_001349342.3); c.1175_1180dup, p.Trp393_Phe394insTyrTrp (NM_001349337.2, NM_001349343.3, NM_001349344.3 and 1 more transcripts).
Identifiers: ClinVar variation 1805930 (VCV001805930.2), dbSNP rs2545110016, ClinGen allele CA2573320537.

ClinVar aggregate classification (germline): Likely pathogenic (1 of 4 stars; one submission).

Conditions:
Intellectual disability-severe speech delay-mild dysmorphism syndrome (IDDLA). Also called: Mental retardation with language impairment and autistic features; FOXP1 Syndrome; Intellectual developmental disorder with language impairment AND with or without autistic features. Identifiers: Orphanet 391372, MedGen C4013764, MONDO:0013352, OMIM 613670.

Submission:

Victorian Clinical Genetics Services, Murdoch Childrens Research Institute
Classification: Likely pathogenic for Intellectual disability-severe speech delay-mild dysmorphism syndrome. Last evaluated: 2023-07-17. Review status: criteria provided, single submitter. Criteria: ACMG Guidelines, 2015. Collection method: clinical testing. Allele origin: germline. Inheritance: Autosomal dominant inheritance. Affected: yes.
Comment: Based on the classification scheme VCGS_Germline_v1.3.4, this variant is classified as Likely pathogenic. Following criteria are met: 0102 - Loss of function is a known mechanism of disease in this gene and is associated with intellectual disability with language impairment and with or without autistic features (MIM#613670). Dominant negative is also a suggested disease mechanism (OMIM). (I) 0107 - This gene is associated with autosomal dominant disease. (I) 0213 - In-frame duplication in a non-repetitive region that has high conservation. (SP) 0251 - This variant is heterozygous. (I) 0301 - Variant is absent from gnomAD (both v2 and v3). (SP) 0600 - Variant is located in the annotated Forkhead domain (DECIPHER). (I) 0705 - No comparable in-frame variants have previous evidence for pathogenicity. (I) 0807 - This variant has no previous evidence of pathogenicity. (I) 0905 - No published segregation evidence has been identified for this variant. (I) 1007 - No published functional evidence has been identified for this variant. (SP) Legend: (SP) - Supporting pathogenic, (I) - Information, (SB) - Supporting benign